The following is an entry in ClinVar:

NM_014727.3(KMT2B):c.6293C>A (p.Ala2098Asp)

Gene: KMT2B (lysine methyltransferase 2B; plus strand). Cytogenetic location: 19q13.12.
Variant type: single nucleotide variant.
Coding change: c.6293C>A on transcript NM_014727.3 (MANE Select); coding-DNA position 6293, C replaced by A.
Protein change: p.Ala2098Asp; replaces alanine 2098 with aspartic acid.
Molecular consequence: missense variant.
Genome position (GRCh38, 1-based): chr19:35,732,842, C>A. VCF-style: chr19-35732842-C-A. GRCh37 (hg19) VCF-style: chr19-36223743-C-A.
Other names: c.6293C>A (NM_014727.2); short protein forms A2098D.
Identifiers: ClinVar variation 623945 (VCV000623945.44), dbSNP rs377172275, ClinGen allele CA9385655.

ClinVar aggregate classification (germline): Uncertain significance. Review status: criteria provided, multiple submitters, no conflicts (2 of 4 stars). 2 submissions from 2 submitters: Uncertain significance (2). Last evaluated 2024-10-03.

Allele frequency attached by ClinVar (database versions not stated): gnomAD exomes below 0.00001; TOPMed 0.00001.

Submissions (2):

GeneDx
Classification: Uncertain significance. Last evaluated: 2024-10-03. Review status: criteria provided, single submitter. Criteria: GeneDx Variant Classification Process June 2021. Collection method: clinical testing. Allele origin: germline. Affected: yes.
Comment: Not observed at significant frequency in large population cohorts (gnomAD); In silico analysis supports that this missense variant does not alter protein structure/function; Has not been previously published as pathogenic or benign to our knowledge

CeGaT Center for Human Genetics Tuebingen
Classification: Uncertain significance. Last evaluated: 2018-09-01. Review status: criteria provided, single submitter. Criteria: CeGaT Center For Human Genetics Tuebingen Variant Classification Criteria Version 2. Collection method: clinical testing. Allele origin: germline. Affected: yes. Observed: 1 variant allele.